The following is an entry in ClinVar:

ClinVar aggregate classification (germline): Pathogenic (1 of 4 stars; one submission).

Conditions:
Autosomal recessive spinocerebellar ataxia 10. Identifiers: Orphanet 284289, MedGen C3150998, MONDO:0013392, OMIM 613728.

Submission:

Myriad Genetics, Inc.
Classification: Pathogenic for Autosomal recessive spinocerebellar ataxia 10. Last evaluated: 2025-08-04. Review status: criteria provided, single submitter. Criteria: Myriad Autosomal Dominant, Autosomal Recessive and X-Linked Classification Criteria (2023). Collection method: clinical testing. Allele origin: unknown.
Comment: NM_018075.3(ANO10):c.1665G>A(W555*) is expected to be pathogenic in the context of spinocerebellar ataxia, ANO10-related. This variant is predicted to lead to an abnormal or absent protein product due to the creation of a premature termination codon in ANO10, a gene where loss-of-function variants are known to be pathogenic. Please note: this variant was assessed in the context of healthy population screening.

NM_018075.5(ANO10):c.1665G>A (p.Trp555Ter)

Gene: ANO10 (anoctamin 10; minus strand). Cytogenetic location: 3p22.1.
Variant type: single nucleotide variant.
Coding change: c.1665G>A on transcript NM_018075.5 (MANE Select); coding-DNA position 1665, G replaced by A.
Protein change: p.Trp555Ter; replaces tryptophan 555 with a stop codon.
Molecular consequence: nonsense.
Genome position (GRCh38, 1-based): chr3:43,555,281, C>T on the plus strand (G>A on the coding strand, the complement: ANO10 is on the minus strand). VCF-style: chr3-43555281-C-T. GRCh37 (hg19) VCF-style: chr3-43596773-C-T.
Other names: c.1665G>A, p.Trp555Ter (NM_001204831.3, NM_001346463.2, NM_001346464.2 and 3 more transcripts); c.1467G>A, p.Trp489Ter (NM_001204832.3, NM_001346466.2, NM_001346469.2); c.1332G>A, p.Trp444Ter (NM_001204833.3); c.1095G>A, p.Trp365Ter (NM_001204834.3); short protein forms W365*, W444*, W489*, W555*.
Identifiers: ClinVar variation 5014816 (VCV005014816.1).